The following is an entry in ClinVar:

ClinVar aggregate classification (germline): Uncertain significance (1 of 4 stars; one submission).

Conditions:
Surfactant metabolism dysfunction, pulmonary, 4 (SMDP4). Also called: PULMONARY ALVEOLAR PROTEINOSIS, CONGENITAL, 4; PAP DUE TO CSF2RA DEFICIENCY; CSF2RA DEFICIENCY. Identifiers: Orphanet 264675, MedGen C2677877, MONDO:0010424, OMIM 300770.

Allele frequency attached by ClinVar (database versions not stated): TOPMed below 0.00001; gnomAD 0.00001; gnomAD exomes 0.00001 and 0.00002; ExAC 0.00002.
gnomAD v4.1: 6 of 1,613,386 alleles (0.00037%); highest among the groups gnomAD compares: Admixed American, 0.0083%; no homozygotes.

Submission:

Labcorp Genetics (formerly Invitae), Labcorp
Classification: Uncertain significance for Surfactant metabolism dysfunction, pulmonary, 4. Last evaluated: 2021-09-01. Review status: criteria provided, single submitter. Criteria: Invitae Variant Classification Sherloc (09022015). Collection method: clinical testing. Allele origin: germline.
Comment: This sequence change replaces aspartic acid with asparagine at codon 318 of the CSF2RA protein (p.Asp318Asn). The aspartic acid residue is weakly conserved and there is a small physicochemical difference between aspartic acid and asparagine. This variant is present in population databases (no rsID available, ExAC 0.03%). This variant has not been reported in the literature in individuals affected with CSF2RA-related conditions. Algorithms developed to predict the effect of missense changes on protein structure and function (SIFT, PolyPhen-2, Align-GVGD) all suggest that this variant is likely to be tolerated. In summary, the available evidence is currently insufficient to determine the role of this variant in disease. Therefore, it has been classified as a Variant of Uncertain Significance.

NM_172245.4(CSF2RA):c.952G>A (p.Asp318Asn)

Gene: CSF2RA (colony stimulating factor 2 receptor subunit alpha; plus strand). Cytogenetic location: Xp22.33.
Variant type: single nucleotide variant.
Coding change: c.952G>A on transcript NM_172245.4 (MANE Select); coding-DNA position 952, G replaced by A.
Protein change: p.Asp318Asn; replaces aspartic acid 318 with asparagine.
Molecular consequence: missense variant. On other transcripts: intron variant (7), non-coding transcript variant (1).
Genome position (GRCh38, 1-based): chrX:1,303,928, G>A. VCF-style: chrX-1303928-G-A. GRCh37 (hg19) VCF-style: chrX-1422821-G-A.
Other names: c.855-1518G>A (NM_001379166.1); c.947-1518G>A (NM_001379168.1, NM_001379167.1, NM_001379169.1 and 1 more transcripts); c.952G>A, p.Asp318Asn (NM_001161529.2, NM_001161531.2, NM_001379155.1 and 9 more transcripts); c.1054G>A, p.Asp352Asn (NM_001161530.2, NM_001379153.1, NM_001379154.1); c.553G>A, p.Asp185Asn (NM_001161532.2); c.922G>A, p.Asp308Asn (NM_001379160.1); c.946+3302G>A (NM_172246.4); c.647-1518G>A (NM_172249.4); short protein forms D308N, D185N, D318N, D352N.
Identifiers: ClinVar variation 965748 (VCV000965748.7), dbSNP rs771210487, ClinGen allele CA10331119.
Genomic context (GRCh38, chrX:1,303,928, plus strand): 5'-CTTTCACATGTCCGTCAACGATTCACCGCAGACGCAAACCTGTGTGTCTCTCCAGGTTCT[G>A]ACGACGGGAACCTCGGCTCTGTGTACATTTATGTGCTCCTAATCGTGGGAACCCTTGTCT-3'
Protein context (NP_758448.1, residues 308-328): SWSEAIEFGS[Asp318Asn]DGNLGSVYIY